The following is an entry in ClinVar:

ClinVar aggregate classification (germline): not provided (0 of 4 stars; one submission).

Conditions:
Hyperimmunoglobulin D with periodic fever (HIDS). Also called: HYPERIMMUNOGLOBULINEMIA D AND PERIODIC FEVER SYNDROME; Hyperimmunoglobulinemia D; Hyperimmunoglobulinemia D with periodic fever. Identifiers: Orphanet 343, MedGen C0398691, MONDO:0009849, OMIM 260920.

Submission:

Unité médicale des maladies autoinflammatoires, CHRU Montpellier
No classification provided. Condition: Hyperimmunoglobulin D with periodic fever. Review status: no classification provided. Collection method: not provided. Allele origin: unknown.
Comment: also involved in OMIM 25117

NM_000431.4(MVK):c.516T>C (p.Asp172=)

Gene: MVK (mevalonate kinase; plus strand). Cytogenetic location: 12q24.11.
Variant type: single nucleotide variant.
Coding change: c.516T>C on transcript NM_000431.4 (MANE Select); coding-DNA position 516, T replaced by C.
Protein change: p.Asp172=; no amino-acid change (aspartic acid 172 retained).
Molecular consequence: synonymous variant. On other transcripts: intron variant (1).
Genome position (GRCh38, 1-based): chr12:109,581,539, T>C. VCF-style: chr12-109581539-T-C. GRCh37 (hg19) VCF-style: chr12-110019344-T-C.
Other names: c.516T>C, p.Asp172= (NM_001114185.3); c.371+1593T>C (NM_001301182.2).
Identifiers: ClinVar variation 97596 (VCV000097596.1), dbSNP rs104895320, ClinGen allele CA149842.